The following is an entry in ClinVar:

ClinVar aggregate classification (germline): Uncertain significance (1 of 4 stars; one submission).

Submission:

Labcorp Genetics (formerly Invitae), Labcorp
Classification: Uncertain significance. Last evaluated: 2024-12-27. Review status: criteria provided, single submitter. Criteria: Invitae Variant Classification Sherloc (09022015). Collection method: clinical testing. Allele origin: germline.
Comment: This sequence change replaces serine, which is neutral and polar, with arginine, which is basic and polar, at codon 797 of the AP3B2 protein (p.Ser797Arg). This variant is not present in population databases (gnomAD no frequency). This variant has not been reported in the literature in individuals affected with AP3B2-related conditions. ClinVar contains an entry for this variant (Variation ID: 2121875). An algorithm developed to predict the effect of missense changes on protein structure and function (PolyPhen-2) suggests that this variant is likely to be tolerated. In summary, the available evidence is currently insufficient to determine the role of this variant in disease. Therefore, it has been classified as a Variant of Uncertain Significance.

NM_001278512.2(AP3B2):c.2448C>A (p.Ser816Arg)

Genes: AP3B2 (adaptor related protein complex 3 subunit beta 2; minus strand), CPEB1-AS1 (CPEB1 antisense RNA 1; plus strand). Cytogenetic location: 15q25.2.
Variant type: single nucleotide variant.
Coding change: c.2448C>A on transcript NM_001278512.2 (MANE Select); coding-DNA position 2448, C replaced by A.
Protein change: p.Ser816Arg; replaces serine 816 with arginine.
Molecular consequence: missense variant.
Genome position (GRCh38, 1-based): chr15:82,663,609, G>T on the plus strand (C>A on the coding strand, the complement: AP3B2 is on the minus strand). VCF-style: chr15-82663609-G-T. GRCh37 (hg19) VCF-style: chr15-83332361-G-T.
Other names: c.2295C>A, p.Ser765Arg (NM_001278511.2); c.2391C>A, p.Ser797Arg (NM_004644.5); short protein forms S797R, S816R, S765R.
Identifiers: ClinVar variation 2121875 (VCV002121875.4), dbSNP rs2047996163, ClinGen allele CA393310232.